The following is an entry in ClinVar:

ClinVar aggregate classification (germline): Uncertain significance. Review status: criteria provided, multiple submitters, no conflicts (2 of 4 stars). 2 submissions from 2 submitters: Uncertain significance (2). Last evaluated 2022-08-31.

Allele frequency attached by ClinVar (database versions not stated): gnomAD exomes below 0.00001 and 0.00001; gnomAD 0.00001.
gnomAD v4.1: 13 of 1,614,050 alleles (0.00081%); highest among the groups gnomAD compares: South Asian, 0.0066%; no homozygotes.

Submissions (2):

Labcorp Genetics (formerly Invitae), Labcorp
Classification: Uncertain significance. Last evaluated: 2022-08-31. Review status: criteria provided, single submitter. Criteria: Invitae Variant Classification Sherloc (09022015). Collection method: clinical testing. Allele origin: germline.
Comment: This sequence change replaces aspartic acid, which is acidic and polar, with asparagine, which is neutral and polar, at codon 470 of the TULP1 protein (p.Asp470Asn). This variant is present in population databases (no rsID available, gnomAD 0.002%). This variant has not been reported in the literature in individuals affected with TULP1-related conditions. ClinVar contains an entry for this variant (Variation ID: 1433151). Algorithms developed to predict the effect of missense changes on protein structure and function are either unavailable or do not agree on the potential impact of this missense change (SIFT: "Not Available"; PolyPhen-2: "Benign"; Align-GVGD: "Not Available"). In summary, the available evidence is currently insufficient to determine the role of this variant in disease. Therefore, it has been classified as a Variant of Uncertain Significance.

Blueprint Genetics
Classification: Uncertain significance. Last evaluated: 2021-11-04. Review status: criteria provided, single submitter. Criteria: ACMG Guidelines, 2015. Collection method: clinical testing. Allele origin: germline.

NM_003322.6(TULP1):c.1408G>A (p.Asp470Asn)

Gene: TULP1 (TUB like protein 1; minus strand). Cytogenetic location: 6p21.31.
Variant type: single nucleotide variant.
Coding change: c.1408G>A on transcript NM_003322.6 (MANE Select); coding-DNA position 1408, G replaced by A.
Protein change: p.Asp470Asn; replaces aspartic acid 470 with asparagine.
Molecular consequence: missense variant.
Genome position (GRCh38, 1-based): chr6:35,500,068, C>T on the plus strand (G>A on the coding strand, the complement: TULP1 is on the minus strand). VCF-style: chr6-35500068-C-T. GRCh37 (hg19) VCF-style: chr6-35467845-C-T.
Other names: c.1249G>A, p.Asp417Asn (NM_001289395.2); short protein forms D470N, D417N.
Identifiers: ClinVar variation 1433151 (VCV001433151.4), dbSNP rs866341403, ClinGen allele CA137278095.